The following is an entry in ClinVar:

NM_001164508.2(NEB):c.21711_21712dup (p.Asp7238fs)

Genes: NEB (nebulin; minus strand), RIF1 (replication timing regulatory factor 1; plus strand). Cytogenetic location: 2q23.3.
Variant type: Duplication.
Coding change: c.21711_21712dup on transcript NM_001164508.2 (MANE Select); coding-DNA positions 21711 to 21712, 2 bases duplicated (GG; older notation c.21711_21712dupGG).
Protein change: p.Asp7238fs; shifts the reading frame from aspartic acid 7238.
Molecular consequence: frameshift variant.
Genome position (GRCh38, 1-based): chr2:151,529,233-151,529,234, CC duplicated on the plus strand (GG on the coding strand, the reverse complement: NEB is on the minus strand). VCF-style (leftmost placement, unchanged base first): chr2-151529232-T-TCC. GRCh37 (hg19) VCF-style: chr2-152385746-T-TCC.
Other names: c.16608_16609dup, p.Asp5537fs (NM_004543.5); c.21711_21712dup, p.Asp7238fs (NM_001164507.2); c.21816_21817dup, p.Asp7273fs (NM_001271208.2); c.21816_21817dupGG (NM_001271208.1); short protein forms D5537fs, D7238fs, D7273fs.
Identifiers: ClinVar variation 568050 (VCV000568050.8), dbSNP rs1559580467, ClinGen allele CA891842791.

ClinVar aggregate classification (germline): Pathogenic/Likely pathogenic. Review status: criteria provided, multiple submitters, no conflicts (2 of 4 stars). 3 submissions from 3 submitters: Pathogenic (2); Likely pathogenic (1). Last evaluated 2025-01-26.

Conditions:
Nemaline myopathy 2 (NEM2). Also called: Nemaline myopathy 2, autosomal recessive. Identifiers: MedGen C1850569, MONDO:0009725, OMIM 256030.

Submissions (3):

Natera, Inc.
Classification: Likely pathogenic for Nemaline myopathy type 2. Last evaluated: 2025-01-26. Review status: criteria provided, single submitter. Criteria: Natera Variant Classification Schema (03/2026). Collection method: clinical testing. Allele origin: germline.
Comment: The c.21816_21817dupGG variant in NEB is a frameshift variant predicted to shift the reading frame beginning at codon 7273 and leads to a stop codon 75 codons downstream. This variant is expected to result in nonsense mediated decay, truncation, or a dysfunctional protein product. This variant is rare in the general population with a frequency below the threshold expected for the associated phenotype(s). Given the available evidence, this variant is classified as Likely Pathogenic.

Myriad Genetics, Inc.
Classification: Pathogenic for Nemaline myopathy 2. Last evaluated: 2024-11-06. Review status: criteria provided, single submitter. Criteria: Myriad Autosomal Dominant, Autosomal Recessive and X-Linked Classification Criteria (2023). Collection method: clinical testing. Allele origin: unknown.
Comment: NM_001271208.1(NEB):c.21816_21817dupGG(D7273Gfs*75) is expected to be pathogenic in the context of NEB-related nemaline myopathy. This variant is predicted to lead to an abnormal or absent protein product due to the creation of a premature termination codon in NEB, a gene where loss-of-function variants are known to be pathogenic. Please note: this variant was assessed in the context of healthy population screening.

Labcorp Genetics (formerly Invitae), Labcorp
Classification: Pathogenic for Nemaline myopathy 2. Last evaluated: 2023-08-11. Review status: criteria provided, single submitter. Criteria: Invitae Variant Classification Sherloc (09022015). Collection method: clinical testing. Allele origin: germline.
Comment: For these reasons, this variant has been classified as Pathogenic. ClinVar contains an entry for this variant (Variation ID: 568050). This variant has not been reported in the literature in individuals affected with NEB-related conditions. This variant is not present in population databases (gnomAD no frequency). This sequence change creates a premature translational stop signal (p.Asp7273Glyfs*75) in the NEB gene. It is expected to result in an absent or disrupted protein product. Loss-of-function variants in NEB are known to be pathogenic (PMID: 25205138).

Literature cited by the submitters: PubMed 25205138 (cited by Labcorp Genetics (formerly Invitae), Labcorp).